The following is an entry in ClinVar:

NM_152795.4(HIF3A):c.1103C>A (p.Ala368Asp)

Gene: HIF3A (hypoxia inducible factor 3 subunit alpha; plus strand). Cytogenetic location: 19q13.32.
Variant type: single nucleotide variant.
Coding change: c.1103C>A on transcript NM_152795.4 (MANE Select); coding-DNA position 1103, C replaced by A.
Protein change: p.Ala368Asp; replaces alanine 368 with aspartic acid.
Molecular consequence: missense variant.
Genome position (GRCh38, 1-based): chr19:46,320,520, C>A. VCF-style: chr19-46320520-C-A. GRCh37 (hg19) VCF-style: chr19-46823777-C-A.
Other names: p.Ala368Asp; c.1097C>A, p.Ala366Asp (NM_152794.4); c.896C>A, p.Ala299Asp (NM_152796.2, NM_022462.4); short protein forms A366D, A368D, A299D.
Identifiers: ClinVar variation 4542355 (VCV004542355.1).

ClinVar aggregate classification (germline): Uncertain significance (1 of 4 stars; one submission).

gnomAD v4.1: 1,273 of 1,613,930 alleles (0.079%); highest among the groups gnomAD compares: Non-Finnish European, 0.1%; 2 homozygotes.

Submission:

Mayo Clinic Laboratories, Mayo Clinic
Classification: Uncertain significance. Last evaluated: 2025-03-26. Review status: criteria provided, single submitter. Criteria: ACMG Guidelines, 2015. Collection method: clinical testing. Allele origin: germline. Observed: 1 variant allele.
Comment: BP4_moderate

Literature cited by the submitters: PubMed 27651169; PubMed 31376207.